The following is an entry in ClinVar:

NM_001039348.3(EFEMP1):c.466C>T (p.Arg156Cys)

Gene: EFEMP1 (EGF-like fibulin extracellular matrix protein 1; minus strand). Cytogenetic location: 2p16.1.
Variant type: single nucleotide variant.
Coding change: c.466C>T on transcript NM_001039348.3 (MANE Select); coding-DNA position 466, C replaced by T.
Protein change: p.Arg156Cys; replaces arginine 156 with cysteine.
Molecular consequence: missense variant.
Genome position (GRCh38, 1-based): chr2:55,917,716, G>A on the plus strand (C>T on the coding strand, the complement: EFEMP1 is on the minus strand). VCF-style: chr2-55917716-G-A. GRCh37 (hg19) VCF-style: chr2-56144851-G-A.
Other names: c.466C>T, p.Arg156Cys (NM_001039349.3); short protein forms R156C.
Identifiers: ClinVar variation 2040743 (VCV002040743.5), dbSNP rs1310851571, ClinGen allele CA347026406.
Genomic context (GRCh38, chr2:55,917,716, plus strand): 5'-TATTCCTACCTTGGCACACGTTGTGTTCACTTTGCTCGTAGCCTGCTGCACACTGGATAC[G>A]GTGGGAAGGGTTGGAGGGAATGCGCTGAGGGTCAGCTGGGTTCCGCCGGATGACAAAGTT-3'
Protein context (NP_001034437.1, residues 146-166): PQRIPSNPSH[Arg156Cys]IQCAAGYEQS

ClinVar aggregate classification (germline): Uncertain significance. Review status: criteria provided, multiple submitters, no conflicts (2 of 4 stars). 2 submissions from 2 submitters: Uncertain significance (2). Last evaluated 2022-11-03.

Allele frequency attached by ClinVar (database versions not stated): TOPMed below 0.00001; gnomAD 0.00001; gnomAD exomes 0.00001; 1000 Genomes Project 30x 0.00016.

Submissions (2):

Blueprint Genetics
Classification: Uncertain significance. Last evaluated: 2022-11-03. Review status: criteria provided, single submitter. Criteria: ACMG Guidelines, 2015. Collection method: clinical testing. Allele origin: germline.

Labcorp Genetics (formerly Invitae), Labcorp
Classification: Uncertain significance. Last evaluated: 2022-03-09. Review status: criteria provided, single submitter. Criteria: Invitae Variant Classification Sherloc (09022015). Collection method: clinical testing. Allele origin: germline.
Comment: This sequence change replaces arginine, which is basic and polar, with cysteine, which is neutral and slightly polar, at codon 156 of the EFEMP1 protein (p.Arg156Cys). This variant is not present in population databases (gnomAD no frequency). In summary, the available evidence is currently insufficient to determine the role of this variant in disease. Therefore, it has been classified as a Variant of Uncertain Significance. Algorithms developed to predict the effect of missense changes on protein structure and function are either unavailable or do not agree on the potential impact of this missense change (SIFT: "Deleterious"; PolyPhen-2: "Possibly Damaging"; Align-GVGD: "Class C0"). This variant has not been reported in the literature in individuals affected with EFEMP1-related conditions.